The following is an entry in ClinVar:

ClinVar aggregate classification (germline): Pathogenic. Review status: criteria provided, multiple submitters, no conflicts (2 of 4 stars). 2 submissions from 2 submitters: Pathogenic (2). Last evaluated 2023-03-31.

Conditions:
Brain small vessel disease 1 with or without ocular anomalies (BSVD1). Also called: Brain small vessel disease with or without ocular anomalies; BRAIN SMALL VESSEL DISEASE WITH HEMORRHAGE; GOULD SYNDROME 1; PORENCEPHALY, TYPE 1, AUTOSOMAL DOMINANT. Identifiers: Orphanet 2940, Orphanet 36383, Orphanet 99810, MedGen C4755307, MONDO:0008289, OMIM 175780.

Submissions (2):

Labcorp Genetics (formerly Invitae), Labcorp
Classification: Pathogenic. Last evaluated: 2023-03-31. Review status: criteria provided, single submitter. Criteria: Invitae Variant Classification Sherloc (09022015). Collection method: clinical testing. Allele origin: germline.
Comment: This sequence change affects a donor splice site in intron 31 of the COL4A1 gene. RNA analysis indicates that disruption of this splice site induces altered splicing and likely results in a shortened protein product. This variant is not present in population databases (gnomAD no frequency). Disruption of this splice site has been observed in individual(s) with clinical features of cerebral small vessel disorders, variably associated with eye abnormalities and other systemic findings (PMID: 25706114). In at least one individual the variant was observed to be de novo. ClinVar contains an entry for this variant (Variation ID: 1027961). Studies have shown that disruption of this splice site results in skipping of 31, but is expected to preserve the integrity of the reading-frame (PMID: 25706114). For these reasons, this variant has been classified as Pathogenic.

Baylor Genetics
Classification: Pathogenic for Brain small vessel disease 1 with or without ocular anomalies. Last evaluated: 2019-11-12. Review status: criteria provided, single submitter. Criteria: ACMG Guidelines, 2015. Collection method: clinical testing. Allele origin: de novo. Affected: yes.
Comment: This variant was determined to be pathogenic according to ACMG Guidelines, 2015 [PMID:25741868].

Literature cited by the submitters: PubMed 25706114 (cited by Labcorp Genetics (formerly Invitae), Labcorp).

NM_001845.6(COL4A1):c.2458+1G>A

Gene: COL4A1 (collagen type IV alpha 1 chain; minus strand). Cytogenetic location: 13q34.
Variant type: single nucleotide variant.
Coding change: c.2458+1G>A on transcript NM_001845.6 (MANE Select); the canonical splice donor site of the intron after coding-DNA position 2458, G replaced by A.
Molecular consequence: splice donor variant.
Genome position (GRCh38, 1-based): chr13:110,178,922, C>T on the plus strand (G>A on the coding strand, the complement: COL4A1 is on the minus strand). VCF-style: chr13-110178922-C-T. GRCh37 (hg19) VCF-style: chr13-110831269-C-T.
Identifiers: ClinVar variation 1027961 (VCV001027961.6), dbSNP rs1878012979, ClinGen allele CA388668225.
Genomic context (GRCh38, chr13:110,178,922, plus strand): 5'-CCCCCATGCTTCAGAAAAGCATGCTTTTGGGAACAGATAATTCTAGAAGCATGTCACTCA[C>T]CTGACAACCCCGGTGGTCCCTGTCCTCCAGGGGGACCCCTAGCTCCAGGGGGGCCTATTC-3'